The following is an entry in ClinVar:

NM_001377540.1(SLMAP):c.925G>A (p.Gly309Arg)

Gene: SLMAP (sarcolemma associated protein; plus strand). Cytogenetic location: 3p14.3.
Variant type: single nucleotide variant.
Coding change: c.925G>A on transcript NM_001377540.1 (MANE Select); coding-DNA position 925, G replaced by A.
Protein change: p.Gly309Arg; replaces glycine 309 with arginine.
Molecular consequence: missense variant. On other transcripts: non-coding transcript variant (1).
Genome position (GRCh38, 1-based): chr3:57,862,045, G>A. VCF-style: chr3-57862045-G-A. GRCh37 (hg19) VCF-style: chr3-57847772-G-A.
Other names: c.925G>A, p.Gly309Arg (NM_001304420.3, NM_001304421.2, NM_001377538.1 and 17 more transcripts); short protein forms G309R.
Identifiers: ClinVar variation 3721411 (VCV003721411.2).
Genomic context (GRCh38, chr3:57,862,045, plus strand): 5'-CTGAAAGAAATGAATGAAAGGACTCAGGAAGAATTAAGAGAATTAGCCAACAAATATAAT[G>A]GAGCAGTTAATGAGATTAAAGATTTATCTGATAAATTAAAGGTATGTATTTACTCTGCCT-3'
Protein context (NP_001364469.1, residues 299-319): ELRELANKYN[Gly309Arg]AVNEIKDLSD

ClinVar aggregate classification (germline): Uncertain significance (1 of 4 stars; one submission).

Conditions:
Brugada syndrome. Also called: Sudden Unexplained Death Syndrome; Sudden Unexplained Nocturnal Death Syndrome (SUNDS); Sudden unexpected nocturnal death syndrome; Sudden unexplained nocturnal death syndrome. Identifiers: Orphanet 130, MedGen C1142166, MONDO:0015263.

Submission:

Labcorp Genetics (formerly Invitae), Labcorp
Classification: Uncertain significance for Brugada syndrome. Last evaluated: 2024-11-21. Review status: criteria provided, single submitter. Criteria: Invitae Variant Classification Sherloc (09022015). Collection method: clinical testing. Allele origin: germline.
Comment: This sequence change replaces glycine, which is neutral and non-polar, with arginine, which is basic and polar, at codon 309 of the SLMAP protein (p.Gly309Arg). This variant is not present in population databases (gnomAD no frequency). This variant has not been reported in the literature in individuals affected with SLMAP-related conditions. An algorithm developed to predict the effect of missense changes on protein structure and function (PolyPhen-2) suggests that this variant is likely to be disruptive. Algorithms developed to predict the effect of sequence changes on RNA splicing suggest that this variant may disrupt the consensus splice site. In summary, the available evidence is currently insufficient to determine the role of this variant in disease. Therefore, it has been classified as a Variant of Uncertain Significance.